The following is an entry in ClinVar:

NM_014915.3(ANKRD26):c.4133A>C (p.Glu1378Ala)

Gene: ANKRD26 (ankyrin repeat domain containing 26; minus strand). Cytogenetic location: 10p12.1.
Variant type: single nucleotide variant.
Coding change: c.4133A>C on transcript NM_014915.3 (MANE Select); coding-DNA position 4133, A replaced by C.
Protein change: p.Glu1378Ala; replaces glutamic acid 1378 with alanine.
Molecular consequence: missense variant.
Genome position (GRCh38, 1-based): chr10:27,022,640, T>G on the plus strand (A>C on the coding strand, the complement: ANKRD26 is on the minus strand). VCF-style: chr10-27022640-T-G. GRCh37 (hg19) VCF-style: chr10-27311569-T-G.
Other names: c.4130A>C, p.Glu1377Ala (NM_001256053.2); short protein forms E1378A, E1377A.
Identifiers: ClinVar variation 3868243 (VCV003868243.1).

ClinVar aggregate classification (germline): Uncertain significance (1 of 4 stars; one submission).

Conditions:
Inborn genetic diseases. Identifiers: MedGen C0950123, MeSH D030342.

gnomAD v4.1: 4 of 1,579,552 alleles (0.00025%); highest among the groups gnomAD compares: East Asian, 0.0068%; no homozygotes.

Submission:

Ambry Genetics
Classification: Uncertain significance for Inborn genetic diseases. Last evaluated: 2025-02-04. Review status: criteria provided, single submitter. Criteria: Ambry Variant Classification Scheme 2023. Collection method: clinical testing. Allele origin: germline.
Comment: The p.E1378A variant (also known as c.4133A>C), located in coding exon 29 of the ANKRD26 gene, results from an A to C substitution at nucleotide position 4133. The glutamic acid at codon 1378 is replaced by alanine, an amino acid with dissimilar properties. This amino acid position is conserved. In addition, this alteration is predicted to be tolerated by in silico analysis. Based on the available evidence, the clinical significance of this variant remains unclear.